The following is an entry in ClinVar:

NM_001031679.3(MSRB3):c.-53C>T

Gene: MSRB3 (methionine sulfoxide reductase B3; plus strand). Cytogenetic location: 12q14.3.
Variant type: single nucleotide variant.
Coding change: c.-53C>T on transcript NM_001031679.3 (MANE Select); 53 bases upstream of the start codon, C replaced by T.
Molecular consequence: 5 prime UTR variant. On other transcripts: synonymous variant (1).
Genome position (GRCh38, 1-based): chr12:65,278,864, C>T. VCF-style: chr12-65278864-C-T. GRCh37 (hg19) VCF-style: chr12-65672644-C-T.
Other names: c.-217C>T (NM_001193460.2); c.96C>T, p.Ser32= (NM_198080.4).
Identifiers: ClinVar variation 1359685 (VCV001359685.6), dbSNP rs1178178037, ClinGen allele CA480681273.

ClinVar aggregate classification (germline): Uncertain significance (1 of 4 stars; one submission).

Allele frequency attached by ClinVar (database versions not stated): TOPMed below 0.00001; gnomAD 0.00001.
gnomAD v4.1: 18 of 1,556,192 alleles (0.0012%); highest among the groups gnomAD compares: Non-Finnish European, 0.0016%; no homozygotes.

Submission:

Labcorp Genetics (formerly Invitae), Labcorp
Classification: Uncertain significance. Last evaluated: 2021-12-25. Review status: criteria provided, single submitter. Criteria: Invitae Variant Classification Sherloc (09022015). Collection method: clinical testing. Allele origin: germline.
Comment: This sequence change affects codon 32 of the MSRB3 mRNA. It is a 'silent' change, meaning that it does not change the encoded amino acid sequence of the MSRB3 protein. It affects a nucleotide within the consensus splice site. This variant is not present in population databases (gnomAD no frequency). In summary, the available evidence is currently insufficient to determine the role of this variant in disease. Therefore, it has been classified as a Variant of Uncertain Significance. Algorithms developed to predict the effect of sequence changes on RNA splicing suggest that this variant is not likely to affect RNA splicing. This variant has not been reported in the literature in individuals affected with MSRB3-related conditions.